The following is an entry in ClinVar:

ClinVar aggregate classification (germline): Likely benign (0 of 4 stars; one submission).

Conditions:
PLXNA1-related disorder. Also called: PLXNA1-related condition.

Submission:

PreventionGenetics, part of Exact Sciences
Classification: Likely benign for PLXNA1-related condition. Last evaluated: 2024-05-16. Review status: no assertion criteria provided. Collection method: clinical testing. Allele origin: germline.
Comment: This variant is classified as likely benign based on ACMG/AMP sequence variant interpretation guidelines (Richards et al. 2015 PMID: 25741868, with internal and published modifications).

NM_032242.4(PLXNA1):c.2314-8C>T

Gene: PLXNA1 (plexin A1; plus strand). Cytogenetic location: 3q21.3.
Variant type: single nucleotide variant.
Coding change: c.2314-8C>T on transcript NM_032242.4 (MANE Select); 8 bases into the intron before coding-DNA position 2314, C replaced by T.
Molecular consequence: intron variant.
Genome position (GRCh38, 1-based): chr3:127,014,012, C>T. VCF-style: chr3-127014012-C-T. GRCh37 (hg19) VCF-style: chr3-126732855-C-T.
Identifiers: ClinVar variation 3346847 (VCV003346847.1).